The following is an entry in ClinVar:

NM_001079802.2(FKTN):c.1106del (p.Phe369fs)

Gene: FKTN (fukutin; plus strand). Cytogenetic location: 9q31.2.
Variant type: Deletion.
Coding change: c.1106del on transcript NM_001079802.2 (MANE Select); coding-DNA position 1106, one base deleted (T; older notation c.1106delT).
Protein change: p.Phe369fs; shifts the reading frame from phenylalanine 369.
Molecular consequence: frameshift variant. On other transcripts: non-coding transcript variant (2).
Genome position (GRCh38, 1-based): chr9:105,619,995, T deleted; the last of 7 consecutive T bases (chr9:105,619,989-105,619,995); deleting any one gives the same sequence. VCF-style (leftmost placement, unchanged base first): chr9-105619988-GT-G. GRCh37 (hg19) VCF-style: chr9-108382269-GT-G.
Other names: c.1106del, p.Phe369fs (NM_001198963.2, NM_001351496.2, NM_001351498.2 and 1 more transcripts); c.1037del, p.Phe346fs (NM_001351497.2); c.710del, p.Phe237fs (NM_001351499.2, NM_001351500.2, NM_001351501.2 and 1 more transcripts); c.1100delT (NM_001079802.1); c.1106delT (NM_001079802.1, NM_006731.2); short protein forms F237fs, F369fs, F346fs.
Identifiers: ClinVar variation 371091 (VCV000371091.22), dbSNP rs750176716, ClinGen allele CA5170569.

ClinVar aggregate classification (germline): Pathogenic/Likely pathogenic. Review status: criteria provided, multiple submitters, no conflicts (2 of 4 stars). 8 submissions from 8 submitters: Pathogenic (6); Likely pathogenic (1). 1 of the submissions does not count toward it. Last evaluated 2025-12-19.

Conditions:
Muscular dystrophy-dystroglycanopathy (congenital without impaired intellectual development), type B, 4. Also called: Muscular dystrophy-dystroglycanopathy (congenital without intellectual disability), type B4; MUSCULAR DYSTROPHY, CONGENITAL, FKTN-RELATED. Identifiers: MedGen C2751052, MONDO:0013156, OMIM 613152.
Dilated cardiomyopathy 1X (CMD1X). Also called: CARDIOMYOPATHY, DILATED, WITH MILD OR NO PROXIMAL MUSCLE WEAKNESS; FKTN-Related Dilated Cardiomyopathy. Identifiers: Orphanet 154, MedGen C1969024, MONDO:0012704, OMIM 611615.
Muscular dystrophy-dystroglycanopathy (congenital with brain and eye anomalies), type A, 4 (MDDGA4). Also called: Walker-Warburg Syndrome, Fktn-Related; Muscular dystrophy, congenital progressive, with mental retardation; Muscular dystrophy, congenital, with central nervous system involvement; Cerebromuscular dystrophy, Fukuyama type; Congenital muscular dystrophy-dystroglycanopathy with brain and eye anomalies, type A4; WALKER-WARBURG SYNDROME OR MUSCLE-EYE-BRAIN DISEASE, FKTN-RELATED. Identifiers: Orphanet 272, Orphanet 588, Orphanet 899, MedGen C0410174, MONDO:0009678, OMIM 253800.
Autosomal recessive limb-girdle muscular dystrophy type 2M. Also called: MUSCULAR DYSTROPHY-DYSTROGLYCANOPATHY (LIMB-GIRDLE), TYPE C, 4; MUSCULAR DYSTROPHY, LIMB-GIRDLE, TYPE 2M. Identifiers: Orphanet 206554, MedGen C1969040, MONDO:0012699, OMIM 611588.
Cardiovascular phenotype. Identifiers: MedGen CN230736.
Walker-Warburg congenital muscular dystrophy. Also called: Muscular dystrophy-dystroglycanopathy, type A; Walker-Warburg syndrome. Identifiers: Orphanet 899, MedGen C0265221, MONDO:0000171.

Submissions (8):

Natera, Inc.
Classification: Pathogenic for Walker-Warburg congenital muscular dystrophy. Last evaluated: 2025-12-19. Review status: criteria provided, single submitter. Criteria: Natera Variant Classification Schema (03/2026). Collection method: clinical testing. Allele origin: germline.
Comment: The c.1106delT variant in FKTN is a frameshift variant predicted to shift the reading frame beginning at codon 369 and leads to a stop codon 37 codons downstream. This variant is expected to result in nonsense mediated decay, truncation, or a dysfunctional protein product. This variant is rare in the general population with a frequency below the threshold expected for the associated phenotype(s). This variant has been observed in one or more individuals affected with the associated recessive disease, as either homozygous or compound heterozygous with a second variant (PMID: 38634212). Given the available evidence, this variant is classified as Pathogenic.

Labcorp Genetics (formerly Invitae), Labcorp
Classification: Pathogenic for Walker-Warburg congenital muscular dystrophy. Last evaluated: 2025-02-26. Review status: criteria provided, single submitter. Criteria: Invitae Variant Classification Sherloc (09022015). Collection method: clinical testing. Allele origin: germline.
Comment: This sequence change creates a premature translational stop signal (p.Phe369Serfs*37) in the FKTN gene. While this is not anticipated to result in nonsense mediated decay, it is expected to disrupt the last 93 amino acid(s) of the FKTN protein. This variant is present in population databases (rs750176716, gnomAD 0.02%). This variant has not been reported in the literature in individuals affected with FKTN-related conditions. ClinVar contains an entry for this variant (Variation ID: 371091). This variant disrupts a region of the FKTN protein in which other variant(s) (p.Phe390Ilefs*14) have been determined to be pathogenic (PMID: 17878207, 18177472, 18752264, 19266496, 27065010). This suggests that this is a clinically significant region of the protein, and that variants that disrupt it are likely to be disease-causing. For these reasons, this variant has been classified as Pathogenic.

Baylor Genetics
Classification: Pathogenic for Dilated cardiomyopathy 1X. Last evaluated: 2024-03-27. Review status: criteria provided, single submitter. Criteria: ACMG Guidelines, 2015. Collection method: clinical testing. Allele origin: unknown.

Women's Health and Genetics/Laboratory Corporation of America, LabCorp
Classification: Pathogenic for Muscular dystrophy-dystroglycanopathy (congenital with brain and eye anomalies), type A, 4. Last evaluated: 2023-08-07. Review status: criteria provided, single submitter. Criteria: LabCorp Variant Classification Summary - May 2015. Collection method: clinical testing. Allele origin: germline.
Comment: Variant summary: FKTN c.1106delT (p.Phe369SerfsX37) results in a premature termination codon and is predicted to cause truncation of the encoded protein, which is a commonly known mechanism for disease. Although the variant is not predicted to cause absence of the protein through nonsense mediated decay, the variant is predicted to disrupt the last 93 amino acids in the protein sequence. Variants downstream of this position have been classified as pathogenic by our laboratory. The variant allele was found at a frequency of 2e-05 in 251154 control chromosomes (gnomAD). c.1106delT has been reported in the literature in individuals affected with Walker-Warburg Syndrome (e.g. Aggarwal_2020, Tan_2020, Song_2021, Li_2022). These data indicate that the variant is likely to be associated with disease. To our knowledge, no experimental evidence demonstrating an impact on protein function has been reported. The following publications have been ascertained in the context of this evaluation (PMID: 31742715, 35843586, 33200426, 32721234). Four ClinVar submitters have assessed the variant since 2014: two classified the variant as likely pathogenic, and two as pathogenic. Based on the evidence outlined above, the variant was classified as pathogenic.

Ambry Genetics
Classification: Pathogenic for Cardiovascular phenotype. Last evaluated: 2023-03-30. Review status: criteria provided, single submitter. Criteria: Ambry Variant Classification Scheme 2023. Collection method: clinical testing. Allele origin: germline.
Comment: The c.1106delT pathogenic mutation, located in coding exon 8 of the FKTN gene, results from a deletion of one nucleotide at nucleotide position 1106, causing a translational frameshift with a predicted alternate stop codon (p.F369Sfs*37). This alteration occurs at the 3' terminus of theFKTN gene, is not expected to trigger nonsense-mediated mRNA decay, and impacts the last 93 amino acids (20%) of the protein. However, premature stop codons are typically deleterious in nature, a significant portion of the protein is affected, and the impacted region is critical for protein function (Ambry internal data). This variant has been reported in the homozygous and compound heterozygous states with other FKTN variants in individuals reported to have features of dystroglycanopathies (Aggarwal S et al. Prenat Diagn, 2020 Jan;40:260-273; Song D et al. Clin Genet, 2021 Mar;99:384-395). Based on the supporting evidence, this alteration is interpreted as a disease-causing mutation.

Diagnostics Division, CENTRE FOR DNA FINGERPRINTING AND DIAGNOSTICS
Classification: Likely pathogenic for Muscular dystrophy-dystroglycanopathy (congenital with brain and eye anomalies), type A, 4. Last evaluated: 2019-01-01. Review status: criteria provided, single submitter. Criteria: ACMG Guidelines, 2015. Collection method: research. Allele origin: germline. Affected: yes. Observed: 1 homozygote.
Comment: Frameshift variant

Juno Genomics, Hangzhou Juno Genomics, Inc
Classification: Pathogenic for Muscular dystrophy-dystroglycanopathy (congenital without impaired intellectual development), type B, 4; Dilated cardiomyopathy 1X; Muscular dystrophy-dystroglycanopathy (congenital with brain and eye anomalies), type A, 4; Autosomal recessive limb-girdle muscular dystrophy type 2M. Review status: criteria provided, single submitter. Criteria: ACMG Guidelines, 2015. Collection method: clinical testing. Allele origin: germline.
Comment: Absent from controls (or at extremely low frequency if recessive) in Genome Aggregation Database.;Null variant in a gene where loss of function (LOF) is a known mechanism of disease.;For recessive disorders, detected in trans with a pathogenic variant.

Counsyl
Classification: Likely pathogenic for Muscular dystrophy-dystroglycanopathy (congenital with brain and eye anomalies), type A, 4. Last evaluated: 2016-06-24. Review status: no assertion criteria provided. Collection method: clinical testing. Allele origin: unknown. Not counted in ClinVar's aggregate classification.

Literature cited by the submitters: PubMed 38634212 (cited by Natera, Inc.); PubMed 17878207 (cited by Labcorp Genetics (formerly Invitae), Labcorp); PubMed 18177472 (cited by Labcorp Genetics (formerly Invitae), Labcorp); PubMed 18752264 (cited by Labcorp Genetics (formerly Invitae), Labcorp); PubMed 19266496 (cited by Labcorp Genetics (formerly Invitae), Labcorp); PubMed 27065010 (cited by Labcorp Genetics (formerly Invitae), Labcorp); PubMed 33200426 (cited by Women's Health and Genetics/Laboratory Corporation of America, LabCorp and Ambry Genetics); PubMed 32721234 (cited by Women's Health and Genetics/Laboratory Corporation of America, LabCorp); PubMed 31742715 (cited by Women's Health and Genetics/Laboratory Corporation of America, LabCorp and Ambry Genetics); PubMed 35843586 (cited by Women's Health and Genetics/Laboratory Corporation of America, LabCorp and Ambry Genetics); PubMed 35587316 (cited by Ambry Genetics).